The following is an entry in ClinVar:

NM_001458.5(FLNC):c.7596T>A (p.Asn2532Lys)

Genes: FLNC-AS1 (FLNC antisense RNA 1; minus strand), FLNC (filamin C; plus strand). Cytogenetic location: 7q32.1.
Variant type: single nucleotide variant.
Coding change: c.7596T>A on transcript NM_001458.5 (MANE Select); coding-DNA position 7596, T replaced by A.
Protein change: p.Asn2532Lys; replaces asparagine 2532 with lysine.
Molecular consequence: missense variant.
Genome position (GRCh38, 1-based): chr7:128,857,152, T>A. VCF-style: chr7-128857152-T-A. GRCh37 (hg19) VCF-style: chr7-128497206-T-A.
Other names: c.7497T>A, p.Asn2499Lys (NM_001127487.2); short protein forms N2499K, N2532K.
Identifiers: ClinVar variation 1339285 (VCV001339285.6), dbSNP rs377522797, ClinGen allele CA369219298.

ClinVar aggregate classification (germline): Uncertain significance. Review status: criteria provided, multiple submitters, no conflicts (2 of 4 stars). 3 submissions from 3 submitters: Uncertain significance (3). Last evaluated 2022-10-29.

Conditions:
Myofibrillar myopathy 5. Also called: Filaminopathy (type); FILAMINOPATHY, AUTOSOMAL DOMINANT. Identifiers: Orphanet 171445, MedGen C1836050, MONDO:0012289, OMIM 609524.
Distal myopathy with posterior leg and anterior hand involvement. Also called: WILLIAMS DISTAL MYOPATHY. Identifiers: Orphanet 63273, MedGen C3279722, MONDO:0013550, OMIM 614065.
Hypertrophic cardiomyopathy 26. Also called: Cardiomyopathy, familial hypertrophic, 26. Identifiers: Orphanet 75249, MedGen C4310749, MONDO:0014883, OMIM 617047.
Dilated Cardiomyopathy, Dominant.
Cardiovascular phenotype. Identifiers: MedGen CN230736.

gnomAD v4.1: 3 of 1,614,138 alleles (0.00019%); highest among the groups gnomAD compares: East Asian, 0.0022%; no homozygotes.

Submissions (3):

Labcorp Genetics (formerly Invitae), Labcorp
Classification: Uncertain significance for Distal myopathy with posterior leg and anterior hand involvement; Myofibrillar myopathy 5; Hypertrophic cardiomyopathy 26. Last evaluated: 2022-10-29. Review status: criteria provided, single submitter. Criteria: Invitae Variant Classification Sherloc (09022015). Collection method: clinical testing. Allele origin: germline.
Comment: This sequence change replaces asparagine, which is neutral and polar, with lysine, which is basic and polar, at codon 2532 of the FLNC protein (p.Asn2532Lys). This variant is not present in population databases (gnomAD no frequency). This variant has not been reported in the literature in individuals affected with FLNC-related conditions. ClinVar contains an entry for this variant (Variation ID: 1339285). Advanced modeling of protein sequence and biophysical properties (such as structural, functional, and spatial information, amino acid conservation, physicochemical variation, residue mobility, and thermodynamic stability) performed at Invitae indicates that this missense variant is not expected to disrupt FLNC protein function. In summary, the available evidence is currently insufficient to determine the role of this variant in disease. Therefore, it has been classified as a Variant of Uncertain Significance.

Phosphorus, Inc.
Classification: Uncertain significance. Last evaluated: 2022-01-19. Review status: criteria provided, single submitter. Criteria: ACMG Guidelines, 2015. Collection method: clinical testing. Allele origin: germline. Inheritance: Autosomal dominant inheritance.
Comment: This missense variant results in an amino acid substitution of asparagine with lysine at codon 2532 of the FLNC gene (NM_001458.4). The variant has no entry in ClinVar and has not occurred in population databases. This position is not conserved. In silico functional algorithms agreed, with PolyPhen calling it benign, and SIFT tolerated, but no functional studies were performed to confirm these predictions. The variant has not occurred in literature associated with disease. Considering that this is a rare variant, whose impact on the protein and association with disease are unknown, it has been classified as a Variant of Uncertain Significance.

Ambry Genetics
Classification: Uncertain significance for Cardiovascular phenotype. Last evaluated: 2019-12-19. Review status: criteria provided, single submitter. Criteria: Ambry Variant Classification Scheme 2023. Collection method: clinical testing. Allele origin: germline.
Comment: The p.N2532K variant (also known as c.7596T>A), located in coding exon 46 of the FLNC gene, results from a T to A substitution at nucleotide position 7596. The asparagine at codon 2532 is replaced by lysine, an amino acid with similar properties. This amino acid position is well conserved in available vertebrate species; however, lysine is the reference amino acid in other vertebrate species. In addition, this alteration is predicted to be tolerated by in silico analysis. Since supporting evidence is limited at this time, the clinical significance of this alteration remains unclear.